The following is an entry in ClinVar:

NM_006096.4(NDRG1):c.537+18C>T

Gene: NDRG1 (N-myc downstream regulated 1; minus strand). Cytogenetic location: 8q24.22.
Variant type: single nucleotide variant.
Coding change: c.537+18C>T on transcript NM_006096.4 (MANE Select); 18 bases into the intron after coding-DNA position 537, C replaced by T.
Molecular consequence: intron variant. On other transcripts: synonymous variant (1).
Genome position (GRCh38, 1-based): chr8:133,256,759, G>A on the plus strand (C>T on the coding strand, the complement: NDRG1 is on the minus strand). VCF-style: chr8-133256759-G-A. GRCh37 (hg19) VCF-style: chr8-134269002-G-A.
Other names: c.555C>T, p.Val185= (NM_001374844.1); c.339+18C>T (NM_001258432.2, NM_001374847.1); c.294+18C>T (NM_001258433.2); c.537+18C>T (NM_001135242.2, NM_001374845.1, NM_001374846.1).
Identifiers: ClinVar variation 1033071 (VCV001033071.8), dbSNP rs779638529, ClinGen allele CA4886712.

ClinVar aggregate classification (germline): Conflicting classifications of pathogenicity. Review status: criteria provided, conflicting classifications (1 of 4 stars). 2 submissions from 2 submitters: Uncertain significance (1); Likely benign (1). Last evaluated 2025-06-02.

Conditions:
Charcot-Marie-Tooth disease type 4. Also called: Charcot-Marie-Tooth disease, type IV; Charcot-Marie-Tooth, Type 4. Identifiers: Orphanet 64749, MedGen C4082197, MONDO:0018995.
Charcot-Marie-Tooth disease type 4D. Also called: CHARCOT-MARIE-TOOTH DISEASE, DEMYELINATING, TYPE 4D; NEUROPATHY, HEREDITARY MOTOR AND SENSORY, LOM TYPE; Charcot-Marie-Tooth Neuropathy Type 4D; CHARCOT-MARIE-TOOTH DISEASE, DEMYELINATING, AUTOSOMAL RECESSIVE, TYPE 4D. Identifiers: Orphanet 99950, MedGen C1832334, MONDO:0011085, OMIM 601455.

Allele frequency attached by ClinVar (database versions not stated): gnomAD exomes 0.00002 and 0.00004; ExAC 0.00003; gnomAD 0.00005 and 0.00006; TOPMed 0.00005.
gnomAD v4.1: 44 of 1,613,326 alleles (0.0027%); highest among the groups gnomAD compares: Admixed American, 0.0033%; no homozygotes.

Submissions (2):

Labcorp Genetics (formerly Invitae), Labcorp
Classification: Likely benign for Charcot-Marie-Tooth disease type 4. Last evaluated: 2025-06-02. Review status: criteria provided, single submitter. Criteria: Invitae Variant Classification Sherloc (09022015). Collection method: clinical testing. Allele origin: germline.

Baylor Genetics
Classification: Uncertain significance for Charcot-Marie-Tooth disease type 4D. Last evaluated: 2018-04-13. Review status: criteria provided, single submitter. Criteria: ACMG Guidelines, 2015. Collection method: clinical testing. Allele origin: paternal. Affected: yes.
Comment: This variant was determined to be of uncertain significance according to ACMG Guidelines, 2015 [PMID:25741868].